The following is an entry in ClinVar:

NM_025114.4(CEP290):c.4578G>A (p.Glu1526=)

Gene: CEP290 (centrosomal protein 290; minus strand). Cytogenetic location: 12q21.32.
Variant type: single nucleotide variant.
Coding change: c.4578G>A on transcript NM_025114.4 (MANE Select); coding-DNA position 4578, G replaced by A.
Protein change: p.Glu1526=; no amino-acid change (glutamic acid 1526 retained).
Molecular consequence: synonymous variant.
Genome position (GRCh38, 1-based): chr12:88,084,712, C>T on the plus strand (G>A on the coding strand, the complement: CEP290 is on the minus strand). VCF-style: chr12-88084712-C-T. GRCh37 (hg19) VCF-style: chr12-88478489-C-T.
Identifiers: ClinVar variation 698529 (VCV000698529.40), dbSNP rs775294433, ClinGen allele CA6711910.
Genomic context (GRCh38, chr12:88,084,712, plus strand): 5'-TTGCATGTTTGCAATGGTTTGATGAGCAATTTTCAATGTGTGGTGAGATTTTGGTTCCAT[C>T]TCTTTTCTGCCTAGCTCAGCTATGAGCTTTTCTCTTTCTGCAGTGGCAGGCAATCGAAGC-3'
Protein context (NP_079390.3, residues 1516-1536): EKLIAELGRK[Glu1526=]MEPKSHHTLK

ClinVar aggregate classification (germline): Likely benign. Review status: criteria provided, multiple submitters, no conflicts (2 of 4 stars). 6 submissions from 6 submitters: Likely benign (4). 2 of the submissions do not count toward it. Last evaluated 2026-01-28.

Conditions:
Leber congenital amaurosis (LCA). Also called: Leber's amaurosis. Identifiers: Orphanet 65, MedGen C0339527, MeSH D057130, MONDO:0018998.
Meckel syndrome, type 4 (MKS4). Also called: MECKEL-GRUBER SYNDROME, TYPE 4. Identifiers: Orphanet 564, MedGen C1970161, MONDO:0012626, OMIM 611134.
Senior-Loken syndrome 6 (SLSN6). Identifiers: Orphanet 3156, MedGen C1857779, MONDO:0012433, OMIM 610189.
Leber congenital amaurosis 10 (LCA10). Identifiers: Orphanet 65, MedGen C1857821, MONDO:0012723, OMIM 611755.
Joubert syndrome 5 (JBTS5). Identifiers: Orphanet 2318, MedGen C1857780, MONDO:0012432, OMIM 610188.
Bardet-Biedl syndrome 14 (BBS14). Identifiers: Orphanet 110, MedGen C2673874, MONDO:0014442, OMIM 615991.
Nephronophthisis. Also called: Juvenile Nephronophthisis. Identifiers: Orphanet 655, MedGen C0687120, MONDO:0019005, HP:0000090.
Meckel-Gruber syndrome. Also called: Dysencephalia splachnocystica; GRUBER SYNDROME; DYSENCEPHALIA SPLANCHNOCYSTICA. Identifiers: Orphanet 564, MedGen C0265215, MONDO:0018921.
Joubert syndrome. Also called: Familial aplasia of the vermis; JOUBERT-BOLTSHAUSER SYNDROME. Identifiers: Orphanet 475, MedGen C5979921, MONDO:0018772.

Allele frequency attached by ClinVar (database versions not stated): gnomAD below 0.00001 and 0.00003; ExAC 0.00009; gnomAD exomes 0.00009.
gnomAD v4.1: 69 of 1,613,640 alleles (0.0043%); highest among the groups gnomAD compares: Middle Eastern, 0.12%; 1 homozygote.

Submissions (6):

Labcorp Genetics (formerly Invitae), Labcorp
Classification: Likely benign for Joubert syndrome; Meckel-Gruber syndrome; Nephronophthisis. Last evaluated: 2026-01-28. Review status: criteria provided, single submitter. Criteria: Invitae Variant Classification Sherloc (09022015). Collection method: clinical testing. Allele origin: germline.

Blueprint Genetics
Classification: Likely benign. Last evaluated: 2024-01-17. Review status: criteria provided, single submitter. Criteria: ACMG Guidelines, 2015. Collection method: clinical testing. Allele origin: germline.

CeGaT Center for Human Genetics Tuebingen
Classification: Likely benign. Last evaluated: 2022-05-01. Review status: criteria provided, single submitter. Criteria: CeGaT Center For Human Genetics Tuebingen Variant Classification Criteria Version 2. Collection method: clinical testing. Allele origin: germline. Affected: yes. Observed: 1 variant allele.
Comment: CEP290: BP4, BP7

Fulgent Genetics
Classification: Likely benign for Joubert syndrome 5; Senior-Loken syndrome 6; Meckel syndrome, type 4; Leber congenital amaurosis 10; Bardet-Biedl syndrome 14. Last evaluated: 2021-12-29. Review status: criteria provided, single submitter. Criteria: ACMG Guidelines, 2015. Collection method: clinical testing. Allele origin: unknown.

Genetic Services Laboratory, University of Chicago
Classification: Likely benign. Last evaluated: 2022-05-06. Review status: no assertion criteria provided. Collection method: clinical testing. Allele origin: germline. Affected: no. Not counted in ClinVar's aggregate classification.

Natera, Inc.
Classification: Likely benign for Leber congenital amaurosis. Last evaluated: 2020-08-26. Review status: no assertion criteria provided. Collection method: clinical testing. Allele origin: germline. Not counted in ClinVar's aggregate classification.